The following is an entry in ClinVar:

NM_001384140.1(PCDH15):c.182T>G (p.Leu61Arg)

Gene: PCDH15 (protocadherin related 15; minus strand). Cytogenetic location: 10q21.1.
Variant type: single nucleotide variant.
Coding change: c.182T>G on transcript NM_001384140.1 (MANE Select); coding-DNA position 182, T replaced by G.
Protein change: p.Leu61Arg; replaces leucine 61 with arginine.
Molecular consequence: missense variant.
Genome position (GRCh38, 1-based): chr10:54,378,918, A>C on the plus strand (T>G on the coding strand, the complement: PCDH15 is on the minus strand). VCF-style: chr10-54378918-A-C. GRCh37 (hg19) VCF-style: chr10-56138678-A-C.
Other names: c.197T>G, p.Leu66Arg (NM_001142763.2, NM_001142769.4, NM_001142771.2); c.182T>G, p.Leu61Arg (NM_001142764.2, NM_001142765.2, NM_001142766.2 and 8 more transcripts); c.116T>G, p.Leu39Arg (NM_001142768.2, NM_001142773.2, NM_001354404.2); short protein forms L39R, L66R, L61R.
Identifiers: ClinVar variation 1382007 (VCV001382007.5), dbSNP rs1050414439, ClinGen allele CA207588275.
Genomic context (GRCh38, chr10:54,378,918, plus strand): 5'-ACATTATCCTTTAAAGAAAGTTCTATGGTGGGGTCTGGTCCTCCAGCAGTCCCTTTGATC[A>C]GCATGTTGTCCACCAGAATTGTACCTGCAAACCAAAGAAAGGTACTTGAAAACATATTCT-3'
Protein context (NP_001371069.1, residues 51-71): RNGTILVDNM[Leu61Arg]IKGTAGGPDP

ClinVar aggregate classification (germline): Uncertain significance (1 of 4 stars; one submission).

Allele frequency attached by ClinVar (database versions not stated): TOPMed 0.00001.
gnomAD v4.1: 3 of 1,613,810 alleles (0.00019%); highest among the groups gnomAD compares: African/African-American, 0.004%; no homozygotes.

Submission:

Labcorp Genetics (formerly Invitae), Labcorp
Classification: Uncertain significance. Last evaluated: 2022-09-06. Review status: criteria provided, single submitter. Criteria: Invitae Variant Classification Sherloc (09022015). Collection method: clinical testing. Allele origin: germline.
Comment: This sequence change replaces leucine, which is neutral and non-polar, with arginine, which is basic and polar, at codon 61 of the PCDH15 protein (p.Leu61Arg). This variant is not present in population databases (gnomAD no frequency). This variant has not been reported in the literature in individuals affected with PCDH15-related conditions. ClinVar contains an entry for this variant (Variation ID: 1382007). Algorithms developed to predict the effect of missense changes on protein structure and function are either unavailable or do not agree on the potential impact of this missense change (SIFT: "Deleterious"; PolyPhen-2: "Benign"; Align-GVGD: "Class C0"). In summary, the available evidence is currently insufficient to determine the role of this variant in disease. Therefore, it has been classified as a Variant of Uncertain Significance.